The following is an entry in ClinVar:

ClinVar aggregate classification (germline): Benign/Likely benign. Review status: criteria provided, multiple submitters, no conflicts (2 of 4 stars). 7 submissions from 7 submitters: Benign (5); Likely benign (2). Last evaluated 2026-02-03.

Conditions:
Primary ciliary dyskinesia. Also called: Ciliary dyskinesia. Identifiers: Orphanet 244, MedGen C0008780, MONDO:0016575, HP:0012265.
Primary ciliary dyskinesia 7. Also called: CILIARY DYSKINESIA, PRIMARY, 7, WITH OR WITHOUT SITUS INVERSUS. Identifiers: Orphanet 244, MedGen C2678473, MONDO:0012748, OMIM 611884.

Allele frequency attached by ClinVar (database versions not stated): 1000 Genomes Project 30x 0.00796; 1000 Genomes Project 0.00819; gnomAD 0.01255; ExAC 0.01376; TOPMed 0.01490; ESP Exome Variant Server 0.01552.
gnomAD v4.1: 25,164 of 1,548,870 alleles (1.6%); highest among the groups gnomAD compares: Middle Eastern, 2.5%; 278 homozygotes.

Submissions (7):

Labcorp Genetics (formerly Invitae), Labcorp
Classification: Benign for Primary ciliary dyskinesia. Last evaluated: 2026-02-03. Review status: criteria provided, single submitter. Criteria: Invitae Variant Classification Sherloc (09022015). Collection method: clinical testing. Allele origin: germline.

ARUP Laboratories, Molecular Genetics and Genomics, ARUP Laboratories
Classification: Benign for Primary ciliary dyskinesia 7. Last evaluated: 2025-03-27. Review status: criteria provided, single submitter. Criteria: ARUP Molecular Germline Variant Investigation Process 2024. Collection method: clinical testing. Allele origin: germline.

Blueprint Genetics
Classification: Likely benign. Last evaluated: 2024-11-26. Review status: criteria provided, single submitter. Criteria: ACMG Guidelines, 2015. Collection method: clinical testing. Allele origin: germline.

Mayo Clinic Laboratories, Mayo Clinic
Classification: Benign. Last evaluated: 2024-08-14. Review status: criteria provided, single submitter. Criteria: ACMG Guidelines, 2015. Collection method: clinical testing. Allele origin: germline. Observed: 9 variant alleles.
Comment: BS1, BS2, BP4_strong, BP7

GeneDx
Classification: Likely benign. Last evaluated: 2019-09-06. Review status: criteria provided, single submitter. Criteria: GeneDx Variant Classification Process June 2021. Collection method: clinical testing. Allele origin: germline. Affected: yes.

Laboratory for Molecular Medicine, Mass General Brigham Personalized Medicine
Classification: Benign. Last evaluated: 2013-02-21. Review status: criteria provided, single submitter. Criteria: LMM Criteria. Collection method: clinical testing. Allele origin: germline. Observed: 3 variant alleles.
Comment: 9102+8G>A in intron 55 of DNAH11: This variant is not expected to have clinical significance because it is not located within the conserved splice consensus seq uence. It has been identified in 1.8% (155/8422) of European American chromosome s from a broad population by the NHLBI Exome Sequencing Project (dbSNP rs72657374).

PreventionGenetics, part of Exact Sciences
Classification: Benign. Review status: criteria provided, single submitter. Criteria: ACMG Guidelines, 2015. Collection method: clinical testing. Allele origin: germline.

NM_001277115.2(DNAH11):c.9102+8G>A

Gene: DNAH11 (dynein axonemal heavy chain 11; plus strand). Cytogenetic location: 7p15.3.
Variant type: single nucleotide variant.
Coding change: c.9102+8G>A on transcript NM_001277115.2 (MANE Select); 8 bases into the intron after coding-DNA position 9102, G replaced by A.
Molecular consequence: intron variant.
Genome position (GRCh38, 1-based): chr7:21,765,597, G>A. VCF-style: chr7-21765597-G-A. GRCh37 (hg19) VCF-style: chr7-21805215-G-A.
Other names: p.?.
Identifiers: ClinVar variation 178729 (VCV000178729.27), dbSNP rs72657374, ClinGen allele CA182898.